The following is an entry in ClinVar:

NC_000011.10:g.(?_108243943)_(108249112_?)del

Gene: ATM (ATM serine/threonine kinase; plus strand). Cytogenetic location: 11q22.3.
Variant type: Deletion.
Identifiers: ClinVar variation 831898 (VCV000831898.1).

ClinVar aggregate classification (germline): Likely pathogenic (1 of 4 stars; one submission).

Conditions:
Ataxia-telangiectasia syndrome (AT). Also called: ATAXIA-TELANGIECTASIA, COMPLEMENTATION GROUP A; ATAXIA-TELANGIECTASIA, FRESNO VARIANT; Ataxia-telangiectasia, complementation group E; Ataxia telangiectasia (A-T); LOUIS-BAR SYNDROME; Cerebello-oculocutaneous telangiectasia. Identifiers: Orphanet 100, MedGen C0004135, MONDO:0008840, OMIM 208900.

Submission:

Labcorp Genetics (formerly Invitae), Labcorp
Classification: Likely pathogenic for Ataxia-telangiectasia syndrome. Last evaluated: 2019-04-10. Review status: criteria provided, single submitter. Criteria: Invitae Variant Classification Sherloc (09022015). Collection method: clinical testing. Allele origin: germline.
Comment: This variant is an in-frame deletion of the genomic region encompassing exons 6-59 of the ATM gene. It preserves the integrity of the reading frame. This variant has not been reported in the literature in individuals with a ATM-related disease. Experimental studies and prediction algorithms are not available for this variant, and the functional significance of the affected amino acid(s) is currently unknown. This variant disrupts the p.Leu950 amino acid residue in ATM. Other variant(s) that disrupt this residue (p.Leu950Arg) have been determined to be pathogenic (PMID: 10873394, 20678261, 12552559, 21792198). This suggests that this residue is clinically significant, and that variants that disrupt this residue are likely to be disease-causing. In summary, the currently available evidence indicates that the variant is pathogenic, but additional data are needed to prove that conclusively. Therefore, this variant has been classified as Likely Pathogenic.

Literature cited by the submitters: PubMed 10873394; PubMed 21792198; PubMed 12552559; PubMed 20678261.